The following is an entry in ClinVar:

ClinVar aggregate classification (germline): Conflicting classifications of pathogenicity. Review status: criteria provided, conflicting classifications (1 of 4 stars). 3 submissions from 3 submitters: Likely pathogenic (1); Uncertain significance (2). Last evaluated 2024-09-10.

Conditions:
Wilson disease (WND). Also called: Wilson's disease. Identifiers: Orphanet 905, MedGen C0019202, MONDO:0010200, OMIM 277900. Disease mechanism: loss of function.

gnomAD v4.1: 1 of 1,614,128 alleles (0.000062%); highest among the groups gnomAD compares: South Asian, 0.0011%; no homozygotes.

Submissions (3):

Blueprint Genetics
Classification: Uncertain significance. Last evaluated: 2024-09-10. Review status: criteria provided, single submitter. Criteria: ACMG Guidelines, 2015. Collection method: clinical testing. Allele origin: germline.

All of Us Research Program, National Institutes of Health
Classification: Uncertain significance for Wilson disease. Last evaluated: 2023-07-19. Review status: criteria provided, single submitter. Criteria: ACMG Guidelines, 2015. Collection method: clinical testing. Allele origin: germline. Inheritance: Autosomal recessive inheritance. Observed: 1 variant allele, 1 heterozygote.
Comment: This missense variant replaces aspartic acid with valine at codon 829 of the ATP7B protein. Computational prediction suggests that this variant may have deleterious impact on protein structure and function (internally defined REVEL score threshold >= 0.7, PMID: 27666373). To our knowledge, functional studies have not been reported for this variant. This variant has not been reported in individuals affected with ATP7B-related disorders in the literature. This variant has not been identified in the general population by the Genome Aggregation Database (gnomAD). The available evidence is insufficient to determine the role of this variant in disease conclusively. Therefore, this variant is classified as a Variant of Uncertain Significance.

This study involves interpretation of variants in research participants for the purpose of population health screening. Participant phenotype was not available at the time of variant classification. Additional details can be found in publication PMID: 35346344, PMCID: PMC8962531

Labcorp Genetics (formerly Invitae), Labcorp
Classification: Likely pathogenic for Wilson disease. Last evaluated: 2022-08-18. Review status: criteria provided, single submitter. Criteria: Invitae Variant Classification Sherloc (09022015). Collection method: clinical testing. Allele origin: germline.
Comment: This sequence change replaces aspartic acid, which is acidic and polar, with valine, which is neutral and non-polar, at codon 829 of the ATP7B protein (p.Asp829Val). This variant is not present in population databases (gnomAD no frequency). This variant has not been reported in the literature in individuals affected with ATP7B-related conditions. Advanced modeling of protein sequence and biophysical properties (such as structural, functional, and spatial information, amino acid conservation, physicochemical variation, residue mobility, and thermodynamic stability) performed at Invitae indicates that this missense variant is expected to disrupt ATP7B protein function. This variant disrupts the p.Asp829 amino acid residue in ATP7B. Other variant(s) that disrupt this residue have been determined to be pathogenic (Invitae). This suggests that this residue is clinically significant, and that variants that disrupt this residue are likely to be disease-causing. In summary, the currently available evidence indicates that the variant is pathogenic, but additional data are needed to prove that conclusively. Therefore, this variant has been classified as Likely Pathogenic.

NM_000053.4(ATP7B):c.2486A>T (p.Asp829Val)

Gene: ATP7B (ATPase copper transporting beta; minus strand). Cytogenetic location: 13q14.3.
Variant type: single nucleotide variant.
Coding change: c.2486A>T on transcript NM_000053.4 (MANE Select); coding-DNA position 2486, A replaced by T.
Protein change: p.Asp829Val; replaces aspartic acid 829 with valine.
Molecular consequence: missense variant.
Genome position (GRCh38, 1-based): chr13:51,950,361, T>A on the plus strand (A>T on the coding strand, the complement: ATP7B is on the minus strand). VCF-style: chr13-51950361-T-A. GRCh37 (hg19) VCF-style: chr13-52524497-T-A.
Other names: c.2000A>T, p.Asp667Val (NM_001005918.3, NM_001406541.1, NM_001406542.1 and 1 more transcripts); c.2153A>T, p.Asp718Val (NM_001243182.2); c.2252A>T, p.Asp751Val (NM_001330578.2, NM_001406527.1, NM_001406528.1 and 2 more transcripts); c.2234A>T, p.Asp745Val (NM_001330579.2, NM_001406531.1, NM_001406532.1 and 1 more transcripts); c.2486A>T, p.Asp829Val (NM_001406511.1, NM_001406512.1, NM_001406513.1 and 7 more transcripts); c.2453A>T, p.Asp818Val (NM_001406514.1); c.2390A>T, p.Asp797Val (NM_001406517.1, NM_001406518.1); c.2342A>T, p.Asp781Val (NM_001406520.1, NM_001406521.1, NM_001406522.1 and 1 more transcripts); and 7 more; short protein forms D667V, D719V, D781V, D829V, D613V, D635V, D686V, D713V.
Identifiers: ClinVar variation 2192201 (VCV002192201.6), dbSNP rs1566503575, ClinGen allele CA388016678.
Genomic context (GRCh38, chr13:51,950,361, plus strand): 5'-TTGCCTTCCAGGACTTTCCCATCCACTGGAAACTTTCCCCCAGGGACCACCTTGACGATA[T>A]CGCCCCGCTGCACCAGCTCCATGGGGACTTGCTCCTCCCTGCAACAAACGCCACTTATCA-3'
Protein context (NP_000044.2, residues 819-839): QVPMELVQRG[Asp829Val]IVKVVPGGKF